The following is an entry in ClinVar:

ClinVar aggregate classification (germline): Uncertain significance (1 of 4 stars; one submission).

Conditions:
Lethal congenital glycogen storage disease of heart. Also called: PHOSPHORYLASE KINASE DEFICIENCY OF HEART; GLYCOGEN STORAGE DISEASE OF HEART. Identifiers: Orphanet 439854, MedGen C1849813, MONDO:0009867, OMIM 261740.

Submission:

Labcorp Genetics (formerly Invitae), Labcorp
Classification: Uncertain significance for Lethal congenital glycogen storage disease of heart. Last evaluated: 2025-06-22. Review status: criteria provided, single submitter. Criteria: Invitae Variant Classification Sherloc (09022015). Collection method: clinical testing. Allele origin: germline.
Comment: This sequence change replaces glycine, which is neutral and non-polar, with arginine, which is basic and polar, at codon 560 of the PRKAG2 protein (p.Gly560Arg). This variant also falls at the last nucleotide of exon 15, which is part of the consensus splice site for this exon. This variant is not present in population databases (gnomAD no frequency). This variant has not been reported in the literature in individuals affected with PRKAG2-related conditions. Invitae Evidence Modeling of protein sequence and biophysical properties (such as structural, functional, and spatial information, amino acid conservation, physicochemical variation, residue mobility, and thermodynamic stability) indicates that this missense variant is not expected to disrupt PRKAG2 protein function with a negative predictive value of 95%. Variants that disrupt the consensus splice site are a relatively common cause of aberrant splicing (PMID: 17576681, 9536098). Algorithms developed to predict the effect of sequence changes on RNA splicing suggest that this variant may disrupt the consensus splice site. In summary, the available evidence is currently insufficient to determine the role of this variant in disease. Therefore, it has been classified as a Variant of Uncertain Significance.

Literature cited by the submitters: PubMed 17576681; PubMed 9536098.

NM_016203.4(PRKAG2):c.1678G>C (p.Gly560Arg)

Gene: PRKAG2 (protein kinase AMP-activated non-catalytic subunit gamma 2; minus strand). Cytogenetic location: 7q36.1.
Variant type: single nucleotide variant.
Coding change: c.1678G>C on transcript NM_016203.4 (MANE Select); coding-DNA position 1678, G replaced by C.
Protein change: p.Gly560Arg; replaces glycine 560 with arginine.
Molecular consequence: missense variant.
Genome position (GRCh38, 1-based): chr7:151,560,524, C>G on the plus strand (G>C on the coding strand, the complement: PRKAG2 is on the minus strand). VCF-style: chr7-151560524-C-G. GRCh37 (hg19) VCF-style: chr7-151257610-C-G.
Other names: c.1303G>C, p.Gly435Arg (NM_001407029.1, NM_001304527.2); c.1390G>C, p.Gly464Arg (NM_001407030.1); c.1387G>C, p.Gly463Arg (NM_001407031.1); c.1360G>C, p.Gly454Arg (NM_001407032.1); c.1354G>C, p.Gly452Arg (NM_001407033.1); c.955G>C, p.Gly319Arg (NM_001407034.1, NM_001407035.1, NM_024429.2 and 1 more transcripts); c.952G>C, p.Gly318Arg (NM_001407036.1, NM_001407039.1, NM_001407040.1); c.1015G>C, p.Gly339Arg (NM_001407037.1); and 6 more; short protein forms G318R, G339R, G463R, G464R, G516R, G560R, G319R, G515R.
Identifiers: ClinVar variation 4747448 (VCV004747448.1).